The following is an entry in ClinVar:

NM_000376.3(VDR):c.771G>C (p.Glu257Asp)

Gene: VDR (vitamin D receptor; minus strand). Cytogenetic location: 12q13.11.
Variant type: single nucleotide variant.
Coding change: c.771G>C on transcript NM_000376.3 (MANE Select); coding-DNA position 771, G replaced by C.
Protein change: p.Glu257Asp; replaces glutamic acid 257 with aspartic acid.
Molecular consequence: missense variant.
Genome position (GRCh38, 1-based): chr12:47,846,793, C>G on the plus strand (G>C on the coding strand, the complement: VDR is on the minus strand). VCF-style: chr12-47846793-C-G. GRCh37 (hg19) VCF-style: chr12-48240576-C-G.
Other names: c.771G>C, p.Glu257Asp (NM_001017535.2, NM_001364085.2, NM_001374661.1 and 1 more transcripts); c.921G>C, p.Glu307Asp (NM_001017536.2); short protein forms E307D, E257D.
Identifiers: ClinVar variation 2074580 (VCV002074580.1), dbSNP rs369210822, ClinGen allele CA236507909.

ClinVar aggregate classification (germline): Uncertain significance (1 of 4 stars; one submission).

Allele frequency attached by ClinVar (database versions not stated): ESP Exome Variant Server 0.00008.
gnomAD v4.1: 2 of 1,614,048 alleles (0.00012%); highest among the groups gnomAD compares: African/African-American, 0.0027%; no homozygotes.

Submission:

Labcorp Genetics (formerly Invitae), Labcorp
Classification: Uncertain significance. Last evaluated: 2022-03-28. Review status: criteria provided, single submitter. Criteria: Invitae Variant Classification Sherloc (09022015). Collection method: clinical testing. Allele origin: germline.
Comment: This sequence change replaces glutamic acid, which is acidic and polar, with aspartic acid, which is acidic and polar, at codon 257 of the VDR protein (p.Glu257Asp). This variant is present in population databases (rs369210822, gnomAD 0.01%). This variant has not been reported in the literature in individuals affected with VDR-related conditions. Algorithms developed to predict the effect of missense changes on protein structure and function output the following: SIFT: "Tolerated"; PolyPhen-2: "Benign"; Align-GVGD: "Class C0". The aspartic acid amino acid residue is found in multiple mammalian species, which suggests that this missense change does not adversely affect protein function. In summary, the available evidence is currently insufficient to determine the role of this variant in disease. Therefore, it has been classified as a Variant of Uncertain Significance.